The following is an entry in ClinVar:

ClinVar aggregate classification (germline): Uncertain significance (1 of 4 stars; one submission).

Conditions:
Cardiomyopathy (CMYO). Also called: Cardiomyopathies. Identifiers: Orphanet 167848, MedGen C0878544, MONDO:0004994, HP:0001638. Inheritance: Various modes of inheritance.

Submission:

Color Diagnostics, LLC DBA Color Health
Classification: Uncertain significance for Cardiomyopathy. Last evaluated: 2025-07-02. Review status: criteria provided, single submitter. Criteria: ACMG Guidelines, 2015. Collection method: clinical testing. Allele origin: germline.
Comment: This variant inserts 1 nucleotide in exon 14 of the DSG2 gene, creating a frameshift and premature translation stop signal in the last coding exon. This variant is predicted to escape nonsense-mediated decay and be expressed as a truncated protein. To our knowledge, this variant has not been reported in individuals affected with DSG2-related disorders in the literature. This variant has not been identified in the general population by the Genome Aggregation Database (gnomAD). The available evidence is insufficient to determine the role of this variant in disease conclusively. Therefore, this variant is classified as a Variant of Uncertain Significance.

NM_001943.5(DSG2):c.2257dup (p.Ala753fs)

Genes: DSG2 (desmoglein 2; plus strand), DSG2-AS1 (DSG2 antisense RNA 1; minus strand). Cytogenetic location: 18q12.1.
Variant type: Duplication.
Coding change: c.2257dup on transcript NM_001943.5 (MANE Select); coding-DNA position 2257, one base duplicated (G; older notation c.2257dupG).
Protein change: p.Ala753fs; shifts the reading frame from alanine 753.
Molecular consequence: frameshift variant.
Genome position (GRCh38, 1-based): chr18:31,542,775, G duplicated; the last of 4 consecutive G bases (chr18:31,542,772-31,542,775); duplicating any one gives the same sequence. VCF-style (leftmost placement, unchanged base first): chr18-31542771-A-AG. GRCh37 (hg19) VCF-style: chr18-29122734-A-AG.
Other names: short protein forms A753fs.
Identifiers: ClinVar variation 4757010 (VCV004757010.1).